The following is an entry in ClinVar:

ClinVar aggregate classification (germline): Uncertain significance. Review status: criteria provided, multiple submitters, no conflicts (2 of 4 stars). 2 submissions from 2 submitters: Uncertain significance (2). Last evaluated 2025-05-17.

Conditions:
Granulomatous disease, chronic, autosomal recessive, cytochrome b-positive, type 3. Also called: GRANULOMATOUS DISEASE, CHRONIC, DUE TO NCF4 DEFICIENCY; Granulomatous disease, chronic, autosomal recessive, cytochrome b-positive, type III; GRANULOMATOUS DISEASE, CHRONIC, AUTOSOMAL RECESSIVE, 3; CGD, AUTOSOMAL RECESSIVE CYTOCHROME b-POSITIVE, TYPE III. Identifiers: Orphanet 379, MedGen C3151409, MONDO:0013507, OMIM 613960.

Allele frequency attached by ClinVar (database versions not stated): ExAC 0.00001.
gnomAD v4.1: 5 of 1,614,000 alleles (0.00031%); highest among the groups gnomAD compares: Middle Eastern, 0.049%; no homozygotes.

Submissions (2):

Ambry Genetics
Classification: Uncertain significance. Last evaluated: 2025-05-17. Review status: criteria provided, single submitter. Criteria: Ambry Variant Classification Scheme 2023. Collection method: clinical testing. Allele origin: germline.

Labcorp Genetics (formerly Invitae), Labcorp
Classification: Uncertain significance for Granulomatous disease, chronic, autosomal recessive, cytochrome b-positive, type 3. Last evaluated: 2021-03-02. Review status: criteria provided, single submitter. Criteria: Invitae Variant Classification Sherloc (09022015). Collection method: clinical testing. Allele origin: germline.
Comment: In summary, the available evidence is currently insufficient to determine the role of this variant in disease. Therefore, it has been classified as a Variant of Uncertain Significance. Algorithms developed to predict the effect of missense changes on protein structure and function are either unavailable or do not agree on the potential impact of this missense change (SIFT: "Deleterious"; PolyPhen-2: "Benign"; Align-GVGD: "Class C0"). This variant has not been reported in the literature in individuals with NCF4-related conditions. This variant is present in population databases (rs750610795, ExAC 0.009%). This sequence change replaces histidine with aspartic acid at codon 316 of the NCF4 protein (p.His316Asp). The histidine residue is weakly conserved and there is a moderate physicochemical difference between histidine and aspartic acid.

NM_000631.5(NCF4):c.759-58C>G

Gene: NCF4 (neutrophil cytosolic factor 4; plus strand). Cytogenetic location: 22q12.3.
Variant type: single nucleotide variant.
Coding change: c.759-58C>G on transcript NM_000631.5 (MANE Select); 58 bases into the intron before coding-DNA position 759, C replaced by G.
Molecular consequence: intron variant. On other transcripts: missense variant (1).
Genome position (GRCh38, 1-based): chr22:36,875,971, C>G. VCF-style: chr22-36875971-C-G. GRCh37 (hg19) VCF-style: chr22-37272013-C-G.
Other names: c.946C>G, p.His316Asp (NM_013416.4); c.946C>G (NM_013416.3); short protein forms H316D.
Identifiers: ClinVar variation 1447338 (VCV001447338.7), dbSNP rs750610795, ClinGen allele CA10213192.
Genomic context (GRCh38, chr22:36,875,971, plus strand): 5'-AATGCTGTAACAAGCCATCAACGTCCAGGGTGGCCTGGCCAGCCTCATTCCCCTTTCCCC[C>G]ACCCCACACCCCACTTCCAGCCTGATGCCTCCTTACTCCAGCCTGTCACCCCCTTAGGGA-3'